The following is an entry in ClinVar:

ClinVar aggregate classification (germline): Uncertain significance (1 of 4 stars; one submission).

gnomAD v4.1: 2 of 1,614,164 alleles (0.00012%); highest among the groups gnomAD compares: Non-Finnish European, 0.000085%; no homozygotes.

Submission:

GeneDx
Classification: Uncertain significance. Last evaluated: 2025-07-15. Review status: criteria provided, single submitter. Criteria: GeneDx Variant Classification Process June 2021. Collection method: clinical testing. Allele origin: germline. Affected: yes.
Comment: Nonsense variant predicted to result in protein truncation or nonsense mediated decay in a gene or region of a gene for which loss of function is not a well-established mechanism of disease; Not observed at significant frequency in large population cohorts (gnomAD); Has not been previously published as pathogenic or benign to our knowledge

NM_006445.4(PRPF8):c.6022C>T (p.Arg2008Ter)

Gene: PRPF8 (pre-mRNA processing factor 8; minus strand). Cytogenetic location: 17p13.3.
Variant type: single nucleotide variant.
Coding change: c.6022C>T on transcript NM_006445.4 (MANE Select); coding-DNA position 6022, C replaced by T.
Protein change: p.Arg2008Ter; replaces arginine 2008 with a stop codon.
Molecular consequence: nonsense.
Genome position (GRCh38, 1-based): chr17:1,653,982, G>A on the plus strand (C>T on the coding strand, the complement: PRPF8 is on the minus strand). VCF-style: chr17-1653982-G-A. GRCh37 (hg19) VCF-style: chr17-1557276-G-A.
Other names: short protein forms R2008*.
Identifiers: ClinVar variation 4686477 (VCV004686477.1).